The following is an entry in ClinVar:

NM_004656.4(BAP1):c.487C>G (p.Arg163Gly)

Gene: BAP1 (BRCA1 associated deubiquitinase 1; minus strand). Cytogenetic location: 3p21.1.
Variant type: single nucleotide variant.
Coding change: c.487C>G on transcript NM_004656.4 (MANE Select); coding-DNA position 487, C replaced by G.
Protein change: p.Arg163Gly; replaces arginine 163 with glycine.
Molecular consequence: missense variant.
Genome position (GRCh38, 1-based): chr3:52,407,267, G>C on the plus strand (C>G on the coding strand, the complement: BAP1 is on the minus strand). VCF-style: chr3-52407267-G-C. GRCh37 (hg19) VCF-style: chr3-52441283-G-C.
Other names: c.487C>G (NM_004656.2); short protein forms R163G.
Identifiers: ClinVar variation 1024186 (VCV001024186.6), dbSNP rs1385279115, ClinGen allele CA353110125.

ClinVar aggregate classification (germline): Uncertain significance. Review status: criteria provided, multiple submitters, no conflicts (2 of 4 stars). 2 submissions from 2 submitters: Uncertain significance (2). Last evaluated 2026-02-25.

Conditions:
BAP1-related tumor predisposition syndrome (TPDS1). Also called: COMMON Syndrome; Tumor susceptibility linked to germline BAP1 mutations; TUMOR PREDISPOSITION SYNDROME 1; BAP1 tumor predisposition syndrome. Identifiers: Orphanet 289539, MedGen C3280492, MONDO:0013692, OMIM 614327.
Hereditary cancer-predisposing syndrome. Also called: Hereditary Cancer Syndrome; Neoplastic Syndromes, Hereditary; Tumor predisposition; Hereditary neoplastic syndrome. Identifiers: Orphanet 140162, MedGen C0027672, MeSH D009386, MONDO:0015356.

Submissions (2):

Ambry Genetics
Classification: Uncertain significance for Hereditary cancer-predisposing syndrome. Last evaluated: 2026-02-25. Review status: criteria provided, single submitter. Criteria: Ambry Variant Classification Scheme 2023. Collection method: clinical testing. Allele origin: germline.
Comment: The p.R163G variant (also known as c.487C>G), located in coding exon 7 of the BAP1 gene, results from a C to G substitution at nucleotide position 487. The arginine at codon 163 is replaced by glycine, an amino acid with dissimilar properties. This amino acid position is conserved. In addition, the in silico prediction for this alteration is inconclusive. Based on the available evidence, the clinical significance of this variant remains unclear.

Labcorp Genetics (formerly Invitae), Labcorp
Classification: Uncertain significance for BAP1-related tumor predisposition syndrome. Last evaluated: 2025-05-27. Review status: criteria provided, single submitter. Criteria: Invitae Variant Classification Sherloc (09022015). Collection method: clinical testing. Allele origin: germline.
Comment: This sequence change replaces arginine, which is basic and polar, with glycine, which is neutral and non-polar, at codon 163 of the BAP1 protein (p.Arg163Gly). This variant is not present in population databases (gnomAD no frequency). This variant has not been reported in the literature in individuals affected with BAP1-related conditions. ClinVar contains an entry for this variant (Variation ID: 1024186). Invitae Evidence Modeling of protein sequence and biophysical properties (such as structural, functional, and spatial information, amino acid conservation, physicochemical variation, residue mobility, and thermodynamic stability) indicates that this missense variant is not expected to disrupt BAP1 protein function with a negative predictive value of 80%. In summary, the available evidence is currently insufficient to determine the role of this variant in disease. Therefore, it has been classified as a Variant of Uncertain Significance.